The following is an entry in ClinVar:

ClinVar aggregate classification (germline): Uncertain significance. Review status: criteria provided, multiple submitters, no conflicts (2 of 4 stars). 2 submissions from 2 submitters: Uncertain significance (2). Last evaluated 2026-06-19.

Conditions:
Inborn genetic diseases. Identifiers: MedGen C0950123, MeSH D030342.
SCAPER-related disorder. Also called: SCAPER-related condition.

Allele frequency attached by ClinVar (database versions not stated): gnomAD 0.00001; gnomAD exomes 0.00002; TOPMed 0.00007.
gnomAD v4.1: 11 of 1,613,402 alleles (0.00068%); highest among the groups gnomAD compares: Admixed American, 0.0033%; no homozygotes.

Submissions (2):

PreventionGenetics, part of Exact Sciences
Classification: Uncertain significance for SCAPER-related condition. Last evaluated: 2026-06-19. Review status: criteria provided, single submitter. Criteria: ACMG Guidelines, 2015. Collection method: clinical testing. Allele origin: germline.
Comment: The SCAPER c.568A>G variant is predicted to result in the amino acid substitution p.Arg190Gly. To our knowledge, this variant has not been reported in the literature. This variant is reported in 0.0018% of alleles in individuals of European (Non-Finnish) descent in gnomAD. At this time, the clinical significance of this variant is uncertain due to the absence of conclusive functional and genetic evidence.

Ambry Genetics
Classification: Uncertain significance for Inborn genetic diseases. Last evaluated: 2023-12-09. Review status: criteria provided, single submitter. Criteria: Ambry Variant Classification Scheme 2023. Collection method: clinical testing. Allele origin: germline.

NM_020843.4(SCAPER):c.568A>G (p.Arg190Gly)

Gene: SCAPER (S-phase cyclin A associated protein in the ER; minus strand). Cytogenetic location: 15q24.3.
Variant type: single nucleotide variant.
Coding change: c.568A>G on transcript NM_020843.4 (MANE Select); coding-DNA position 568, A replaced by G.
Protein change: p.Arg190Gly; replaces arginine 190 with glycine.
Molecular consequence: missense variant. On other transcripts: 5 prime UTR variant (1), non-coding transcript variant (1).
Genome position (GRCh38, 1-based): chr15:76,800,291, T>C on the plus strand (A>G on the coding strand, the complement: SCAPER is on the minus strand). VCF-style: chr15-76800291-T-C. GRCh37 (hg19) VCF-style: chr15-77092632-T-C.
Other names: c.-330A>G (NM_001145923.2); c.568A>G, p.Arg190Gly (NM_001353009.2); c.166A>G, p.Arg56Gly (NM_001353010.2, NM_001353011.2, NM_001353012.2); c.568A>G (NM_001353009.1); short protein forms R190G, R56G.
Identifiers: ClinVar variation 3158294 (VCV003158294.2), dbSNP rs977793006, ClinGen allele CA273676633.
Genomic context (GRCh38, chr15:76,800,291, plus strand): 5'-TTCTTAGTTCATCTCACCCAAAATTTAAGCTTCGTCGAGCATTTGATGTTACATTTATTC[T>C]ATCTGTTGATGGACTTGGAATCACATGGCGTCCCGGAGACATCTTCTTTACTTCCCATGC-3'
Protein context (NP_065894.2, residues 180-200): RHVIPSPSTD[Arg190Gly]INVTSNARRS